The following is an entry in ClinVar:

ClinVar aggregate classification (germline): Likely pathogenic (1 of 4 stars; one submission).

Conditions:
Familial intrahepatic cholestasis. Identifiers: Orphanet 284385, MedGen CN296401, MONDO:0017290.
Low phospholipid associated cholelithiasis (GBD1). Also called: Gallbladder disease 1; Gallstone cholecystitis. Identifiers: Orphanet 69663, MedGen C2609268, MONDO:0010939, OMIM 600803.

Submission:

Genomenon, Inc
Classification: Likely pathogenic for Familial intrahepatic cholestasis; Low phospholipid associated cholelithiasis. Last evaluated: 2026-04-14. Review status: criteria provided, single submitter. Criteria: Genomenon Sequence Variant Interpretation Standards - Updated. Collection method: curation. Allele origin: germline. Affected: no.
Comment: ABCB4 p.Lys435Thr (c.1304A>C) is a missense variant that changes the amino acid at residue 435 from Lysine to Threonine. This variant has been reported in the published literature (PMID:14999697;31873305;36674751;15758645;15975683;30730833). At least one functional study has demonstrated a substantial alteration in protein function relative to the wild-type (PMID:28220208). It is absent or not present at a significant frequency in gnomAD. In silico models predict that this variant is possibly or probably damaging. In conclusion, we classify ABCB4 p.Lys435Thr (c.1304A>C) as a likely pathogenic variant.

Literature cited by the submitters: PubMed 14999697; PubMed 31873305; PubMed 36674751; PubMed 15758645; PubMed 15975683; PubMed 30730833; PubMed 28220208.

NM_000443.4(ABCB4):c.1304A>C (p.Lys435Thr)

Gene: ABCB4 (ATP binding cassette subfamily B member 4; minus strand). Cytogenetic location: 7q21.12.
Variant type: single nucleotide variant.
Coding change: c.1304A>C on transcript NM_000443.4 (MANE Select); coding-DNA position 1304, A replaced by C.
Protein change: p.Lys435Thr; replaces lysine 435 with threonine.
Molecular consequence: missense variant.
Genome position (GRCh38, 1-based): chr7:87,443,371, T>G on the plus strand (A>C on the coding strand, the complement: ABCB4 is on the minus strand). VCF-style: chr7-87443371-T-G. GRCh37 (hg19) VCF-style: chr7-87072687-T-G.
Other names: c.1304A>C, p.Lys435Thr (NM_018849.3, NM_018850.3); short protein forms K435T.
Identifiers: ClinVar variation 4846521 (VCV004846521.1).